The following is an entry in ClinVar:

ClinVar aggregate classification (germline): Uncertain significance (1 of 4 stars; one submission).

Allele frequency attached by ClinVar (database versions not stated): gnomAD exomes below 0.00001; gnomAD 0.00001.
gnomAD v4.1: 4 of 1,613,068 alleles (0.00025%); highest among the groups gnomAD compares: Non-Finnish European, 0.00034%; no homozygotes.

Submission:

Labcorp Genetics (formerly Invitae), Labcorp
Classification: Uncertain significance. Last evaluated: 2023-10-03. Review status: criteria provided, single submitter. Criteria: Invitae Variant Classification Sherloc (09022015). Collection method: clinical testing. Allele origin: germline.
Comment: This sequence change replaces alanine, which is neutral and non-polar, with valine, which is neutral and non-polar, at codon 718 of the NDUFS1 protein (p.Ala718Val). This variant is not present in population databases (gnomAD no frequency). This variant has not been reported in the literature in individuals affected with NDUFS1-related conditions. ClinVar contains an entry for this variant (Variation ID: 1929991). An algorithm developed to predict the effect of missense changes on protein structure and function (PolyPhen-2) suggests that this variant is likely to be tolerated. In summary, the available evidence is currently insufficient to determine the role of this variant in disease. Therefore, it has been classified as a Variant of Uncertain Significance.

NM_005006.7(NDUFS1):c.2153C>T (p.Ala718Val)

Gene: NDUFS1 (NADH:ubiquinone oxidoreductase core subunit S1; minus strand). Cytogenetic location: 2q33.3.
Variant type: single nucleotide variant.
Coding change: c.2153C>T on transcript NM_005006.7 (MANE Select); coding-DNA position 2153, C replaced by T.
Protein change: p.Ala718Val; replaces alanine 718 with valine.
Molecular consequence: missense variant.
Genome position (GRCh38, 1-based): chr2:206,124,216, G>A on the plus strand (C>T on the coding strand, the complement: NDUFS1 is on the minus strand). VCF-style: chr2-206124216-G-A. GRCh37 (hg19) VCF-style: chr2-206988940-G-A.
Other names: c.2045C>T, p.Ala682Val (NM_001199981.2); c.1820C>T, p.Ala607Val (NM_001199982.2); c.1982C>T, p.Ala661Val (NM_001199983.2); c.2195C>T, p.Ala732Val (NM_001199984.2); short protein forms A607V, A732V, A718V, A661V, A682V.
Identifiers: ClinVar variation 1929991 (VCV001929991.5), dbSNP rs1691193766, ClinGen allele CA350039454.